The following is an entry in ClinVar:

NM_007247.6(SYNRG):c.3238G>A (p.Glu1080Lys)

Gene: SYNRG (synergin gamma; minus strand). Cytogenetic location: 17q12.
Variant type: single nucleotide variant.
Coding change: c.3238G>A on transcript NM_007247.6 (MANE Select); coding-DNA position 3238, G replaced by A.
Protein change: p.Glu1080Lys; replaces glutamic acid 1080 with lysine.
Molecular consequence: missense variant.
Genome position (GRCh38, 1-based): chr17:37,540,508, C>T on the plus strand (G>A on the coding strand, the complement: SYNRG is on the minus strand). VCF-style: chr17-37540508-C-T. GRCh37 (hg19) VCF-style: chr17-35900610-C-T.
Other names: c.3004G>A, p.Glu1002Lys (NM_001163544.3, NM_080550.5, NM_198882.3); c.3001G>A, p.Glu1001Lys (NM_001163545.3); c.2869G>A, p.Glu957Lys (NM_001163546.3); c.2620G>A, p.Glu874Lys (NM_001163547.3); c.3541G>A, p.Glu1181Lys (NM_001405103.1); short protein forms E1001K, E1002K, E1080K, E1181K, E874K, E957K.
Identifiers: ClinVar variation 3055135 (VCV003055135.2), dbSNP rs2547980876, ClinGen allele CA398755700.
Genomic context (GRCh38, chr17:37,540,508, plus strand): 5'-TATTGGAACGGTCTCTGAAAGGCTGCTCCAAAGCTGGAGAAGGAGAAGAACGGCTTATTT[C>T]TTTATCACCAAGGCTCAAACTCCTCTTGTGTGATCCTGGGAGAAGGGGATAATACAGTCA-3'
Protein context (NP_009178.3, residues 1070-1090): HKRSLSLGDK[Glu1080Lys]ISRSSPSPAL

ClinVar aggregate classification (germline): Uncertain significance (0 of 4 stars; one submission).

Conditions:
SYNRG-related disorder. Also called: SYNRG-related condition.

Allele frequency attached by ClinVar (database versions not stated): gnomAD exomes below 0.00001.
gnomAD v4.1: 1 of 1,613,986 alleles (0.000062%); highest among the groups gnomAD compares: South Asian, 0.0011%; no homozygotes.

Submission:

PreventionGenetics, part of Exact Sciences
Classification: Uncertain significance for SYNRG-related condition. Last evaluated: 2023-10-18. Review status: no assertion criteria provided. Collection method: clinical testing. Allele origin: germline.
Comment: The SYNRG c.3238G>A variant is predicted to result in the amino acid substitution p.Glu1080Lys. To our knowledge, this variant has not been reported in the literature or in a large population database, indicating this variant is rare. At this time, the clinical significance of this variant is uncertain due to the absence of conclusive functional and genetic evidence.